The following is an entry in ClinVar:

NM_024537.4(CARS2):c.1540C>T (p.Gln514Ter)

Gene: CARS2 (cysteinyl-tRNA synthetase 2, mitochondrial; minus strand). Cytogenetic location: 13q34.
Variant type: single nucleotide variant.
Coding change: c.1540C>T on transcript NM_024537.4 (MANE Select); coding-DNA position 1540, C replaced by T.
Protein change: p.Gln514Ter; replaces glutamine 514 with a stop codon.
Molecular consequence: nonsense. On other transcripts: non-coding transcript variant (2).
Genome position (GRCh38, 1-based): chr13:110,642,398, G>A on the plus strand (C>T on the coding strand, the complement: CARS2 is on the minus strand). VCF-style: chr13-110642398-G-A. GRCh37 (hg19) VCF-style: chr13-111294745-G-A.
Other names: c.754C>T, p.Gln252Ter (NM_001352252.2); short protein forms Q514*, Q252*.
Identifiers: ClinVar variation 1034681 (VCV001034681.6), dbSNP rs953211656, ClinGen allele CA256322469.

ClinVar aggregate classification (germline): Uncertain significance (1 of 4 stars; one submission).

Conditions:
Combined oxidative phosphorylation defect type 27. Also called: Combined oxidative phosphorylation deficiency 27. Identifiers: Orphanet 477774, MedGen C5567608, MONDO:0014728, OMIM 616672.

Allele frequency attached by ClinVar (database versions not stated): gnomAD below 0.00001 and 0.00001; gnomAD exomes below 0.00001 and 0.00001.
gnomAD v4.1: 2 of 1,576,484 alleles (0.00013%); highest among the groups gnomAD compares: South Asian, 0.0012%; no homozygotes.

Submission:

Labcorp Genetics (formerly Invitae), Labcorp
Classification: Uncertain significance for Combined oxidative phosphorylation defect type 27. Last evaluated: 2021-05-18. Review status: criteria provided, single submitter. Criteria: Invitae Variant Classification Sherloc (09022015). Collection method: clinical testing. Allele origin: germline.
Comment: In summary, the available evidence is currently insufficient to determine the role of this variant in disease. Therefore, it has been classified as a Variant of Uncertain Significance. The current clinical and genetic evidence is not sufficient to establish whether loss-of-function variants in CARS2 cause disease. Algorithms developed to predict the effect of sequence changes on RNA splicing suggest that this variant may create or strengthen a splice site, but this prediction has not been confirmed by published transcriptional studies. This variant has not been reported in the literature in individuals with CARS2-related conditions. This variant is not present in population databases (ExAC no frequency). This sequence change creates a premature translational stop signal (p.Gln514*) in the CARS2 gene. It is expected to result in an absent or disrupted protein product.